The following is an entry in ClinVar:

ClinVar aggregate classification (germline): Uncertain significance. Review status: criteria provided, multiple submitters, no conflicts (2 of 4 stars). 5 submissions from 5 submitters: Uncertain significance (3). 2 of the submissions do not count toward it. Last evaluated 2025-10-29.

Conditions:
FLNA-related disorder.
Melnick-Needles syndrome (MNS). Also called: MELNICK-NEEDLES OSTEODYSPLASTY; Melnick-Needles Syndrome (FLNA-MNS); OSTEODYSPLASTY OF MELNICK AND NEEDLES. Identifiers: Orphanet 2484, MedGen C0025237, MONDO:0010650, OMIM 309350.
Frontometaphyseal dysplasia (FMD1). Identifiers: Orphanet 1826, MedGen C0265293, MONDO:0015942.
Heterotopia, periventricular, X-linked dominant (PVNH1). Also called: PERIVENTRICULAR NODULAR HETEROTOPIA 4; HETEROTOPIA, PERIVENTRICULAR, 1; PERIVENTRICULAR NODULAR HETEROTOPIA 1; X-linked periventricular heterotopia. Identifiers: Orphanet 2149, Orphanet 82004, MedGen C1848213, MONDO:0010233, OMIM 300049.
Oto-palato-digital syndrome, type II (OPD2). Also called: Otopalatodigital Syndrome Type 2 (FLNA-OPD2); FACIOPALATOOSSEOUS SYNDROME; OPD II SYNDROME; Otopalatodigital Syndrome, Type II. Identifiers: Orphanet 669, Orphanet 90652, MedGen C1844696, MONDO:0010571, OMIM 304120.
Familial thoracic aortic aneurysm and aortic dissection (TAAD). Also called: Thoracic aortic aneurysms and dissections. Identifiers: Orphanet 91387, MedGen C4707243, MONDO:0019625.

Allele frequency attached by ClinVar (database versions not stated): ExAC 0.00001; gnomAD 0.00002; gnomAD exomes 0.00002.
gnomAD v4.1: 6 of 1,206,633 alleles (0.0005%); highest among the groups gnomAD compares: Non-Finnish European, 0.00067%; no homozygotes.

Submissions (5):

GeneDx
Classification: Uncertain significance. Last evaluated: 2025-10-29. Review status: criteria provided, single submitter. Criteria: GeneDx Variant Classification Process June 2021. Collection method: clinical testing. Allele origin: germline. Affected: yes.
Comment: Has not been previously published as pathogenic or benign to our knowledge; In silico analysis, which includes protein predictors and evolutionary conservation, supports a deleterious effect

Labcorp Genetics (formerly Invitae), Labcorp
Classification: Uncertain significance for Oto-palato-digital syndrome, type II; Heterotopia, periventricular, X-linked dominant; Frontometaphyseal dysplasia; Melnick-Needles syndrome. Last evaluated: 2025-09-03. Review status: criteria provided, single submitter. Criteria: Invitae Variant Classification Sherloc (09022015). Collection method: clinical testing. Allele origin: germline.
Comment: This sequence change replaces proline, which is neutral and non-polar, with leucine, which is neutral and non-polar, at codon 469 of the FLNA protein (p.Pro469Leu). This variant is present in population databases (rs782434140, gnomAD 0.006%). This variant has not been reported in the literature in individuals affected with FLNA-related conditions. ClinVar contains an entry for this variant (Variation ID: 533575). Invitae Evidence Modeling of protein sequence and biophysical properties (such as structural, functional, and spatial information, amino acid conservation, physicochemical variation, residue mobility, and thermodynamic stability) indicates that this missense variant is expected to disrupt FLNA protein function with a positive predictive value of 80%. In summary, the available evidence is currently insufficient to determine the role of this variant in disease. Therefore, it has been classified as a Variant of Uncertain Significance.

Ambry Genetics
Classification: Uncertain significance for Familial thoracic aortic aneurysm and aortic dissection. Last evaluated: 2023-04-10. Review status: criteria provided, single submitter. Criteria: Ambry Variant Classification Scheme 2023. Collection method: clinical testing. Allele origin: germline.
Comment: The p.P469L variant (also known as c.1406C>T), located in coding exon 8 of the FLNA gene, results from a C to T substitution at nucleotide position 1406. The proline at codon 469 is replaced by leucine, an amino acid with similar properties. Based on data from gnomAD, the T allele has an overall frequency of <0.01% (5/198448) total alleles studied, with 2 hemizygote(s) observed. The highest observed frequency was <0.01% (5/89867) of European (non-Finnish) alleles. This amino acid position is well conserved in available vertebrate species. In addition, this alteration is predicted to be deleterious by in silico analysis. Since supporting evidence is limited at this time, the clinical significance of this alteration remains unclear.

PreventionGenetics, part of Exact Sciences
Classification: Uncertain significance for FLNA-related condition. Last evaluated: 2024-09-10. Review status: no assertion criteria provided. Collection method: clinical testing. Allele origin: germline. Not counted in ClinVar's aggregate classification.
Comment: The FLNA c.1406C>T variant is predicted to result in the amino acid substitution p.Pro469Leu. To our knowledge, this variant has not been reported in the literature. This variant is reported in 0.0056% of alleles in individuals of European (Non-Finnish) descent in gnomAD. At this time, the clinical significance of this variant is uncertain due to the absence of conclusive functional and genetic evidence.

Gharavi Laboratory, Columbia University
Classification: Uncertain significance. Last evaluated: 2018-09-16. Review status: no assertion criteria provided. Criteria: ACMG Guidelines, 2015. Collection method: research. Allele origin: germline. Affected: yes. Not counted in ClinVar's aggregate classification.

NM_001110556.2(FLNA):c.1406C>T (p.Pro469Leu)

Gene: FLNA (filamin A; minus strand). Cytogenetic location: Xq28.
Variant type: single nucleotide variant.
Coding change: c.1406C>T on transcript NM_001110556.2 (MANE Select); coding-DNA position 1406, C replaced by T.
Protein change: p.Pro469Leu; replaces proline 469 with leucine.
Molecular consequence: missense variant.
Genome position (GRCh38, 1-based): chrX:154,366,047, G>A on the plus strand (C>T on the coding strand, the complement: FLNA is on the minus strand). VCF-style: chrX-154366047-G-A. GRCh37 (hg19) VCF-style: chrX-153594415-G-A.
Other names: c.1406C>T (NM_001110556.1); c.1406C>T, p.Pro469Leu (NM_001456.4); short protein forms P469L.
Identifiers: ClinVar variation 533575 (VCV000533575.15), dbSNP rs782434140, ClinGen allele CA10561190.